The following is an entry in ClinVar:

ClinVar aggregate classification (germline): Pathogenic/Likely pathogenic. Review status: criteria provided, multiple submitters, no conflicts (2 of 4 stars). 2 submissions from 2 submitters: Pathogenic (1); Likely pathogenic (1). Last evaluated 2024-02-01.

Conditions:
Deficiency of hyaluronoglucosaminidase (MPS9). Also called: Mucopolysaccharidosis type 9; HYALURONIDASE DEFICIENCY; MPS IX. Identifiers: Orphanet 67041, MedGen C1291490, MONDO:0011093, OMIM 601492.

Submissions (2):

Fulgent Genetics
Classification: Likely pathogenic for Deficiency of hyaluronoglucosaminidase. Last evaluated: 2024-02-01. Review status: criteria provided, single submitter. Criteria: ACMG Guidelines, 2015. Collection method: clinical testing. Allele origin: germline.

Labcorp Genetics (formerly Invitae), Labcorp
Classification: Pathogenic for Deficiency of hyaluronoglucosaminidase. Last evaluated: 2023-12-16. Review status: criteria provided, single submitter. Criteria: Invitae Variant Classification Sherloc (09022015). Collection method: clinical testing. Allele origin: germline.
Comment: This sequence change creates a premature translational stop signal (p.Tyr75Leufs*2) in the HYAL1 gene. It is expected to result in an absent or disrupted protein product. Loss-of-function variants in HYAL1 are known to be pathogenic (PMID: 10339581, 21559944). This variant is present in population databases (no rsID available, gnomAD 0.06%). This variant has not been reported in the literature in individuals affected with HYAL1-related conditions. ClinVar contains an entry for this variant (Variation ID: 1396264). Algorithms developed to predict the effect of sequence changes on RNA splicing suggest that this variant may create or strengthen a splice site. For these reasons, this variant has been classified as Pathogenic.

Literature cited by the submitters: PubMed 10339581 (cited by Labcorp Genetics (formerly Invitae), Labcorp); PubMed 21559944 (cited by Labcorp Genetics (formerly Invitae), Labcorp).

NM_033159.4(HYAL1):c.221dup (p.Tyr75fs)

Gene: HYAL1 (hyaluronidase 1; minus strand). Cytogenetic location: 3p21.31.
Variant type: Duplication.
Coding change: c.221dup on transcript NM_033159.4 (MANE Select); coding-DNA position 221, one base duplicated (T; older notation c.221dupT).
Protein change: p.Tyr75fs; shifts the reading frame from tyrosine 75.
Molecular consequence: frameshift variant. On other transcripts: non-coding transcript variant (1), intron variant (2).
Genome position (GRCh38, 1-based): chr3:50,302,736, A duplicated on the plus strand (T on the coding strand, the reverse complement: HYAL1 is on the minus strand); the first of 4 consecutive A bases (chr3:50,302,736-50,302,739); duplicating any one gives the same sequence. VCF-style (leftmost placement, unchanged base first): chr3-50302735-G-GA. GRCh37 (hg19) VCF-style: chr3-50340166-G-GA.
Other names: c.221dup, p.Tyr75fs (NM_153281.2, NM_153282.3); c.-26-531dup (NM_153285.3); c.-213-113dup (NM_153283.3); c.221dup (NM_153281.1); short protein forms Y75fs.
Identifiers: ClinVar variation 1396264 (VCV001396264.7), dbSNP rs1450097579, ClinGen allele CA543053610.